The following is an entry in ClinVar:

ClinVar aggregate classification (germline): Uncertain significance (1 of 4 stars; one submission).

gnomAD v4.1: 38 of 1,488,694 alleles (0.0026%); highest among the groups gnomAD compares: East Asian, 0.11%; no homozygotes.

Submission:

Labcorp Genetics (formerly Invitae), Labcorp
Classification: Uncertain significance. Last evaluated: 2021-08-11. Review status: criteria provided, single submitter. Criteria: Invitae Variant Classification Sherloc (09022015). Collection method: clinical testing. Allele origin: germline.
Comment: Algorithms developed to predict the effect of missense changes on protein structure and function are either unavailable or do not agree on the potential impact of this missense change (SIFT: "Deleterious"; PolyPhen-2: "Possibly Damaging"; Align-GVGD: "Class C0"). This sequence change replaces alanine with glycine at codon 342 of the SAMD11 protein (p.Ala342Gly). The alanine residue is highly conserved and there is a small physicochemical difference between alanine and glycine. The frequency data for this variant in the population databases is considered unreliable, as metrics indicate insufficient coverage at this position in the ExAC database. This variant has not been reported in the literature in individuals affected with SAMD11-related conditions. In summary, the available evidence is currently insufficient to determine the role of this variant in disease. Therefore, it has been classified as a Variant of Uncertain Significance.

NM_001385641.1(SAMD11):c.1514C>G (p.Ala505Gly)

Gene: SAMD11 (sterile alpha motif domain containing 11; plus strand). Cytogenetic location: 1p36.33.
Variant type: single nucleotide variant.
Coding change: c.1514C>G on transcript NM_001385641.1 (MANE Select); coding-DNA position 1514, C replaced by G.
Protein change: p.Ala505Gly; replaces alanine 505 with glycine.
Molecular consequence: missense variant.
Genome position (GRCh38, 1-based): chr1:942,449, C>G. VCF-style: chr1-942449-C-G. GRCh37 (hg19) VCF-style: chr1-877829-C-G.
Other names: c.1517C>G, p.Ala506Gly (NM_001385640.1); c.1025C>G, p.Ala342Gly (NM_152486.4); short protein forms A342G, A505G, A506G.
Identifiers: ClinVar variation 1437812 (VCV001437812.6), dbSNP rs774760754, ClinGen allele CA337807495.